The following is an entry in ClinVar:

NM_001447.3(FAT2):c.6106C>G (p.His2036Asp)

Genes: FAT2 (FAT atypical cadherin 2; minus strand), SLC36A1 (solute carrier family 36 member 1; plus strand). Cytogenetic location: 5q33.1.
Variant type: single nucleotide variant.
Coding change: c.6106C>G on transcript NM_001447.3 (MANE Select); coding-DNA position 6106, C replaced by G.
Protein change: p.His2036Asp; replaces histidine 2036 with aspartic acid.
Molecular consequence: missense variant.
Genome position (GRCh38, 1-based): chr5:151,545,021, G>C on the plus strand (C>G on the coding strand, the complement: FAT2 is on the minus strand). VCF-style: chr5-151545021-G-C. GRCh37 (hg19) VCF-style: chr5-150924582-G-C.
Other names: short protein forms H2036D.
Identifiers: ClinVar variation 3022241 (VCV003022241.3), dbSNP rs149092969, ClinGen allele CA3521168.

ClinVar aggregate classification (germline): Uncertain significance (1 of 4 stars; one submission).

Allele frequency attached by ClinVar (database versions not stated): 1000 Genomes Project 30x 0.00016; 1000 Genomes Project 0.00020.
gnomAD v4.1: 5 of 1,614,210 alleles (0.00031%); highest among the groups gnomAD compares: Admixed American, 0.0067%; no homozygotes.

Submission:

Labcorp Genetics (formerly Invitae), Labcorp
Classification: Uncertain significance. Last evaluated: 2025-04-10. Review status: criteria provided, single submitter. Criteria: Invitae Variant Classification Sherloc (09022015). Collection method: clinical testing. Allele origin: germline.
Comment: This sequence change replaces histidine, which is basic and polar, with aspartic acid, which is acidic and polar, at codon 2036 of the FAT2 protein (p.His2036Asp). This variant is present in population databases (rs149092969, gnomAD 0.01%). This variant has not been reported in the literature in individuals affected with FAT2-related conditions. ClinVar contains an entry for this variant (Variation ID: 3022241). Invitae Evidence Modeling of protein sequence and biophysical properties (such as structural, functional, and spatial information, amino acid conservation, physicochemical variation, residue mobility, and thermodynamic stability) indicates that this missense variant is not expected to disrupt FAT2 protein function with a negative predictive value of 80%. In summary, the available evidence is currently insufficient to determine the role of this variant in disease. Therefore, it has been classified as a Variant of Uncertain Significance.